The following is an entry in ClinVar:

ClinVar aggregate classification (germline): Pathogenic (1 of 4 stars; one submission).

Conditions:
Hereditary cancer-predisposing syndrome. Also called: Tumor predisposition; Hereditary Cancer Syndrome; Hereditary neoplastic syndrome; Neoplastic Syndromes, Hereditary. Identifiers: Orphanet 140162, MedGen C0027672, MeSH D009386, MONDO:0015356.

Submission:

Ambry Genetics
Classification: Pathogenic for Hereditary cancer-predisposing syndrome. Last evaluated: 2024-06-17. Review status: criteria provided, single submitter. Criteria: Ambry Variant Classification Scheme 2023. Collection method: clinical testing. Allele origin: germline.
Comment: The c.1076delC pathogenic mutation, located in coding exon 7 of the FLCN gene, results from a deletion of one nucleotide at nucleotide position 1076, causing a translational frameshift with a predicted alternate stop codon (p.P359Lfs*16). This variant is considered to be rare based on population cohorts in the Genome Aggregation Database (gnomAD). This variant has been observed in at least one individual with a personal and/or family history that is consistent with FLCN-associated disease (Lim DH et al. Hum Mutat, 2010 Jan;31:E1043-51). This alteration is expected to result in loss of function by premature protein truncation or nonsense-mediated mRNA decay. As such, this alteration is interpreted as a disease-causing mutation.

Literature cited by the submitters: PubMed 19802896.

NM_144997.7(FLCN):c.1076del (p.Pro359fs)

Gene: FLCN (folliculin; minus strand). Cytogenetic location: 17p11.2.
Variant type: Deletion.
Coding change: c.1076del on transcript NM_144997.7 (MANE Select); coding-DNA position 1076, one base deleted (C; older notation c.1076delC).
Protein change: p.Pro359fs; shifts the reading frame from proline 359.
Molecular consequence: frameshift variant.
Genome position (GRCh38, 1-based): chr17:17,217,169, G deleted on the plus strand (C on the coding strand, the reverse complement: FLCN is on the minus strand); the first of 4 consecutive G bases (chr17:17,217,169-17,217,172); deleting any one gives the same sequence. VCF-style (leftmost placement, unchanged base first): chr17-17217168-AG-A. GRCh37 (hg19) VCF-style: chr17-17120482-AG-A.
Other names: c.1130del, p.Pro377fs (NM_001353229.2); c.1076del, p.Pro359fs (NM_001353230.2, NM_001353231.2); c.1076delC (NM_144997.5); short protein forms P377fs, P359fs.
Identifiers: ClinVar variation 3279036 (VCV003279036.1).